The following is an entry in ClinVar:

NM_000089.4(COL1A2):c.2296G>A (p.Gly766Ser)

Gene: COL1A2 (collagen type I alpha 2 chain; plus strand). Cytogenetic location: 7q21.3.
Variant type: single nucleotide variant.
Coding change: c.2296G>A on transcript NM_000089.4 (MANE Select); coding-DNA position 2296, G replaced by A.
Protein change: p.Gly766Ser; replaces glycine 766 with serine.
Molecular consequence: missense variant.
Genome position (GRCh38, 1-based): chr7:94,421,009, G>A. VCF-style: chr7-94421009-G-A. GRCh37 (hg19) VCF-style: chr7-94050321-G-A.
Other names: short protein forms G766S.
Identifiers: ClinVar variation 447151 (VCV000447151.4), dbSNP rs72658182, ClinGen allele CA162936464.

ClinVar aggregate classification (germline): Pathogenic. Review status: criteria provided, multiple submitters, no conflicts (2 of 4 stars). 2 submissions from 2 submitters: Pathogenic (2). Last evaluated 2023-08-10.

Conditions:
Ehlers-Danlos syndrome, classic type, 1 (EDSCL1). Also called: EHLERS-DANLOS SYNDROME, GRAVIS TYPE; EHLERS-DANLOS SYNDROME, SEVERE CLASSIC TYPE; EDS I; Ehlers-Danlos Syndrome, Classic Type, COL5A1-Related; Ehlers-Danlos syndrome, type 1. Identifiers: MedGen C0268335, MONDO:0019567, OMIM 130000.
Osteogenesis imperfecta type I (OI1). Also called: OI, TYPE I; OSTEOGENESIS IMPERFECTA TARDA; OSTEOGENESIS IMPERFECTA WITH BLUE SCLERAE; Classic Non-deforming Osteogenesis Imperfecta with Blue Sclerae; Lobstein disease; Osteogenesis imperfecta type 1. Identifiers: Orphanet 216796, Orphanet 666, MedGen C0023931, MONDO:0008146, OMIM 166200. Disease mechanism: loss of function.

Allele frequency attached by ClinVar (database versions not stated): gnomAD exomes below 0.00001; TOPMed below 0.00001.
gnomAD v4.1: 1 of 1,614,036 alleles (0.000062%); highest among the groups gnomAD compares: Non-Finnish European, 0.000085%; no homozygotes.

Submissions (2):

Labcorp Genetics (formerly Invitae), Labcorp
Classification: Pathogenic for Osteogenesis imperfecta type I; Ehlers-Danlos syndrome, classic type, 1. Last evaluated: 2023-08-10. Review status: criteria provided, single submitter. Criteria: Invitae Variant Classification Sherloc (09022015). Collection method: clinical testing. Allele origin: germline.
Comment: This sequence change replaces glycine, which is neutral and non-polar, with serine, which is neutral and polar, at codon 766 of the COL1A2 protein (p.Gly766Ser). This variant is not present in population databases (gnomAD no frequency). This missense change has been observed in individual(s) with osteogenesis imperfecta (PMID: 17078022). ClinVar contains an entry for this variant (Variation ID: 447151). Experimental studies and prediction algorithms are not available or were not evaluated, and the functional significance of this variant is currently unknown. This variant disrupts the triple helix domain of COL1A2. Glycine residues within the Gly-Xaa-Yaa repeats of the triple helix domain are required for the structure and stability of fibrillar collagens (PMID: 7695699, 8218237, 19344236). In COL1A2, variants affecting these glycine residues are significantly enriched in individuals with disease (PMID: 9016532, 17078022) compared to the general population (ExAC). This variant disrupts the p.Gly766 amino acid residue in COL1A2. Other variant(s) that disrupt this residue have been observed in individuals with COL1A2-related conditions (PMID: 17078022, 27509835), which suggests that this may be a clinically significant amino acid residue. For these reasons, this variant has been classified as Pathogenic.

Athena Diagnostics
Classification: Pathogenic. Last evaluated: 2017-02-07. Review status: criteria provided, single submitter. Criteria: Athena Diagnostics Criteria. Collection method: clinical testing. Allele origin: germline.

Literature cited by the submitters: PubMed 17078022 (cited by Labcorp Genetics (formerly Invitae), Labcorp and Athena Diagnostics); PubMed 7695699 (cited by Labcorp Genetics (formerly Invitae), Labcorp); PubMed 8218237 (cited by Labcorp Genetics (formerly Invitae), Labcorp); PubMed 19344236 (cited by Labcorp Genetics (formerly Invitae), Labcorp); PubMed 9016532 (cited by Labcorp Genetics (formerly Invitae), Labcorp); PubMed 27509835 (cited by Labcorp Genetics (formerly Invitae), Labcorp).